The following is an entry in ClinVar:

NM_001199107.2(TBC1D24):c.*1259G>A

Gene: TBC1D24 (TBC1 domain family member 24; plus strand). Cytogenetic location: 16p13.3.
Variant type: single nucleotide variant.
Coding change: c.*1259G>A on transcript NM_001199107.2 (MANE Select); 1259 bases downstream of the stop codon, G replaced by A.
Molecular consequence: 3 prime UTR variant.
Genome position (GRCh38, 1-based): chr16:2,502,217, G>A. VCF-style: chr16-2502217-G-A. GRCh37 (hg19) VCF-style: chr16-2552218-G-A.
Other names: c.*1259G>A (NM_020705.3).
Identifiers: ClinVar variation 318642 (VCV000318642.5), dbSNP rs545082961, ClinGen allele CA10647236.
Genomic context (GRCh38, chr16:2,502,217, plus strand): 5'-TGGGCCCCTGGGCCCCTGCCCTGCCTGAGCCCTGCGCTGGCCAGACGCAGGTAGGTGCCA[G>A]GGGAGGCCTTGCCTCTGGGCACTATAGGGGGCAGCCCCCTGCCTTGTGACCTCCCTCCAT-3'

ClinVar aggregate classification (germline): Likely benign (1 of 4 stars; one submission).

Conditions:
Familial infantile myoclonic epilepsy (FIME). Also called: TBC1D24-Related Familial Infantile Myoclonic Epilepsy (FIME); Epilepsy, Myoclonic, Infantile. Identifiers: Orphanet 352582, MedGen C0917800, MONDO:0011506, OMIM 605021.

Allele frequency attached by ClinVar (database versions not stated): gnomAD 0.00012 and 0.00062; TOPMed 0.00021; 1000 Genomes Project 30x 0.00265; 1000 Genomes Project 0.00319.

Submission:

Illumina Laboratory Services, Illumina
Classification: Likely benign for Familial infantile myoclonic epilepsy. Last evaluated: 2018-01-12. Review status: criteria provided, single submitter. Criteria: ICSL Variant Classification Criteria 13 December 2019. Collection method: clinical testing. Allele origin: germline.
Comment: This variant was observed in the ICSL laboratory as part of a predisposition screen in an ostensibly healthy population. It had not been previously curated by ICSL or reported in the Human Gene Mutation Database (HGMD: prior to June 1st, 2018), and was therefore a candidate for classification through an automated scoring system. Utilizing variant allele frequency, disease prevalence and penetrance estimates, and inheritance mode, an automated score was calculated to assess if this variant is too frequent to cause the disease. Based on the score and internal cut-off values, a variant classified as likely benign is not then subjected to further curation. The score for this variant resulted in a classification of likely benign for this disease.